The following is an entry in ClinVar:

ClinVar aggregate classification (germline): Benign/Likely benign. Review status: criteria provided, multiple submitters, no conflicts (2 of 4 stars). 13 submissions from 13 submitters: Benign (10); Likely benign (1). 2 of the submissions do not count toward it. Last evaluated 2026-02-04.

Conditions:
Inborn genetic diseases. Identifiers: MedGen C0950123, MeSH D030342.
Lafora disease. Also called: Epilepsy progressive myoclonic 2; Progressive Myoclonus Epilepsy, Lafora Type. Identifiers: Orphanet 501, MedGen C0751783, MONDO:0009697.

Allele frequency attached by ClinVar (database versions not stated): 1000 Genomes Project 0.34285; TOPMed 0.35348; gnomAD 0.35277 and 0.35311; gnomAD exomes 0.39212; ESP Exome Variant Server 0.33701; 1000 Genomes Project 30x 0.34478; ExAC 0.42114.
gnomAD v4.1: 620,987 of 1,600,126 alleles (39%); highest among the groups gnomAD compares: Admixed American, 49%; 122,524 homozygotes.

Submissions (13):

Labcorp Genetics (formerly Invitae), Labcorp
Classification: Benign for Lafora disease. Last evaluated: 2026-02-04. Review status: criteria provided, single submitter. Criteria: Invitae Variant Classification Sherloc (09022015). Collection method: clinical testing. Allele origin: germline.

Blueprint Genetics
Classification: Likely benign. Last evaluated: 2024-11-27. Review status: criteria provided, single submitter. Criteria: ACMG Guidelines, 2015. Collection method: clinical testing. Allele origin: germline.

Unidad de Genómica Garrahan, Hospital de Pediatría Garrahan
Classification: Benign. Last evaluated: 2024-07-15. Review status: criteria provided, single submitter. Criteria: ACMG Guidelines, 2015. Collection method: clinical testing. Allele origin: germline. Affected: no. Observed: 66 variant alleles.
Comment: This variant is classified as Benign based on local population frequency. This variant was detected in 71% of patients studied in a panel designed for Epileptic and Developmental Encephalopathy and Progressive Myoclonus Epilepsy. Number of patients: 66. Only high quality variants are reported.

Genome-Nilou Lab
Classification: Benign for Myoclonic epilepsy of Lafora 1. Last evaluated: 2021-09-05. Review status: criteria provided, single submitter. Criteria: ACMG Guidelines, 2015. Collection method: clinical testing. Allele origin: germline. Affected: no.

Illumina Laboratory Services, Illumina
Classification: Benign for Myoclonic epilepsy of Lafora 1. Last evaluated: 2018-03-06. Review status: criteria provided, single submitter. Criteria: ICSL Variant Classification Criteria 13 December 2019. Collection method: clinical testing. Allele origin: germline.
Comment: This variant was observed in the ICSL laboratory as part of a predisposition screen in an ostensibly healthy population. It had not been previously curated by ICSL or reported in the Human Gene Mutation Database (HGMD: prior to June 1st, 2018), and was therefore a candidate for classification through an automated scoring system. Utilizing variant allele frequency, disease prevalence and penetrance estimates, and inheritance mode, an automated score was calculated to assess if this variant is too frequent to cause the disease. Based on the score and internal cut-off values, a variant classified as benign is not then subjected to further curation. The score for this variant resulted in a classification of benign for this disease.

Eurofins Ntd Llc (ga)
Classification: Benign. Last evaluated: 2016-04-04. Review status: criteria provided, single submitter. Criteria: EGL Classification Definitions 2015. Collection method: clinical testing. Allele origin: germline. Observed: 21 variant alleles, 15 heterozygotes, 6 homozygotes.

Ambry Genetics
Classification: Benign for Inborn genetic diseases. Last evaluated: 2016-01-08. Review status: criteria provided, single submitter. Criteria: Ambry Variant Classification Scheme 2023. Collection method: clinical testing. Allele origin: germline.

Genome Diagnostics Laboratory, University Medical Center Utrecht
Classification: Benign for Myoclonic epilepsy of Lafora 1. Last evaluated: 2014-10-09. Review status: criteria provided, single submitter. Criteria: ACGS Guidelines, 2013. Collection method: clinical testing. Allele origin: germline. Affected: yes. Study: VKGL Data-share Consensus.

Genetic Services Laboratory, University of Chicago
Classification: Benign for AllHighlyPenetrant. Last evaluated: 2013-08-27. Review status: criteria provided, single submitter. Criteria: ACMG Guidelines, 2007. Collection method: clinical testing. Allele origin: germline. Inheritance: Autosomal recessive inheritance.

GeneDx
Classification: Benign. Last evaluated: 2013-06-12. Review status: criteria provided, single submitter. Criteria: GeneDx Variant Classification (06012015). Collection method: clinical testing. Allele origin: germline. Affected: yes.
Comment: This variant is considered likely benign or benign based on one or more of the following criteria: it is a conservative change, it occurs at a poorly conserved position in the protein, it is predicted to be benign by multiple in silico algorithms, and/or has population frequency not consistent with disease.

PreventionGenetics, part of Exact Sciences
Classification: Benign. Review status: criteria provided, single submitter. Criteria: ACMG Guidelines, 2015. Collection method: clinical testing. Allele origin: germline.

Mayo Clinic Laboratories, Mayo Clinic
Classification: Benign. Last evaluated: 2015-10-23. Review status: no assertion criteria provided. Collection method: clinical testing. Allele origin: unknown. Not counted in ClinVar's aggregate classification.

Diagnostic Laboratory, Department of Genetics, University Medical Center Groningen
Classification: Benign for Myoclonic epilepsy of Lafora 1. Review status: no assertion criteria provided. Collection method: clinical testing. Allele origin: germline. Affected: yes. Study: VKGL Data-share Consensus. Not counted in ClinVar's aggregate classification.

Literature cited by the submitters: PubMed 16529633 (cited by Ambry Genetics); PubMed 23806086 (cited by Ambry Genetics).

NM_198586.3(NHLRC1):c.332C>T (p.Pro111Leu)

Gene: NHLRC1 (NHL repeat containing E3 ubiquitin protein ligase 1; minus strand). Cytogenetic location: 6p22.3.
Variant type: single nucleotide variant.
Coding change: c.332C>T on transcript NM_198586.3 (MANE Select); coding-DNA position 332, C replaced by T.
Protein change: p.Pro111Leu; replaces proline 111 with leucine.
Molecular consequence: missense variant.
Genome position (GRCh38, 1-based): chr6:18,122,275, G>A on the plus strand (C>T on the coding strand, the complement: NHLRC1 is on the minus strand). VCF-style: chr6-18122275-G-A. GRCh37 (hg19) VCF-style: chr6-18122506-G-A.
Other names: p.P111L:CCC>CTC; short protein forms P111L.
Identifiers: ClinVar variation 129767 (VCV000129767.32), dbSNP rs10949483, ClinGen allele CA288968.